The following is an entry in ClinVar:

NM_002691.4(POLD1):c.177G>C (p.Gln59His)

Gene: POLD1 (DNA polymerase delta 1, catalytic subunit; plus strand). Cytogenetic location: 19q13.33.
Variant type: single nucleotide variant.
Coding change: c.177G>C on transcript NM_002691.4 (MANE Select); coding-DNA position 177, G replaced by C.
Protein change: p.Gln59His; replaces glutamine 59 with histidine.
Molecular consequence: missense variant. On other transcripts: non-coding transcript variant (1).
Genome position (GRCh38, 1-based): chr19:50,399,028, G>C. VCF-style: chr19-50399028-G-C. GRCh37 (hg19) VCF-style: chr19-50902285-G-C.
Other names: c.177G>C, p.Gln59His (NM_001256849.1, NM_001308632.1); short protein forms Q59H.
Identifiers: ClinVar variation 3724596 (VCV003724596.2).
Genomic context (GRCh38, chr19:50,399,028, plus strand): 5'-ACTGATGGAGGAGATGGAGGCAGAACACAGGCTGCAGGAGCAGGAGGAGGAGGAGCTGCA[G>C]TCAGTCCTGGAGGGGGTTGCAGACGGTAAGGCTTGGAGTTGGAGGTTCCTGCTGCCCAAC-3'
Protein context (NP_002682.2, residues 49-69): RLQEQEEEEL[Gln59His]SVLEGVADGQ

ClinVar aggregate classification (germline): Uncertain significance (1 of 4 stars; one submission).

Conditions:
POLD1-related polyposis and colorectal cancer syndrome (CRCS10). Also called: Colorectal cancer 10; COLORECTAL CANCER, SUSCEPTIBILITY TO, ON CHROMOSOME 19q; Colorectal cancer, susceptibility to, 10. Identifiers: Orphanet 220460, MedGen C2675481, MONDO:0012953, OMIM 612591.

Submission:

Labcorp Genetics (formerly Invitae), Labcorp
Classification: Uncertain significance for POLD1-related polyposis and colorectal cancer syndrome. Last evaluated: 2024-11-04. Review status: criteria provided, single submitter. Criteria: Invitae Variant Classification Sherloc (09022015). Collection method: clinical testing. Allele origin: germline.
Comment: This sequence change replaces glutamine, which is neutral and polar, with histidine, which is basic and polar, at codon 59 of the POLD1 protein (p.Gln59His). This variant is not present in population databases (gnomAD no frequency). This variant has not been reported in the literature in individuals affected with POLD1-related conditions. An algorithm developed to predict the effect of missense changes on protein structure and function (PolyPhen-2) suggests that this variant is likely to be disruptive. In summary, the available evidence is currently insufficient to determine the role of this variant in disease. Therefore, it has been classified as a Variant of Uncertain Significance.